The following is an entry in ClinVar:

NM_013382.7(POMT2):c.678G>A (p.Trp226Ter)

Genes: POMT2 (protein O-mannosyltransferase 2; minus strand), LOC130056175 (ATAC-STARR-seq lymphoblastoid silent region 5968; plus strand). Cytogenetic location: 14q24.3.
Variant type: single nucleotide variant.
Coding change: c.678G>A on transcript NM_013382.7 (MANE Select); coding-DNA position 678, G replaced by A.
Protein change: p.Trp226Ter; replaces tryptophan 226 with a stop codon.
Molecular consequence: nonsense.
Genome position (GRCh38, 1-based): chr14:77,301,228, C>T on the plus strand (G>A on the coding strand, the complement: POMT2 is on the minus strand). VCF-style: chr14-77301228-C-T. GRCh37 (hg19) VCF-style: chr14-77767571-C-T.
Other names: c.678G>A (NM_013382.5); short protein forms W226*.
Identifiers: ClinVar variation 1430797 (VCV001430797.8), dbSNP rs778947923, ClinGen allele CA7286108.

ClinVar aggregate classification (germline): Pathogenic/Likely pathogenic. Review status: criteria provided, multiple submitters, no conflicts (2 of 4 stars). 3 submissions from 3 submitters: Pathogenic (1); Likely pathogenic (2). Last evaluated 2024-06-14.

Conditions:
Muscular dystrophy-dystroglycanopathy (congenital with brain and eye anomalies), type A2. Also called: MUSCULAR DYSTROPHY-DYSTROGLYCANOPATHY (CONGENITAL WITH BRAIN AND EYE ANOMALIES), TYPE A, 2; WALKER-WARBURG SYNDROME OR MUSCLE-EYE-BRAIN DISEASE, POMT2-RELATED. Identifiers: Orphanet 588, Orphanet 899, MedGen C3150411, MONDO:0013154, OMIM 613150.
Autosomal recessive limb-girdle muscular dystrophy type 2N. Also called: MUSCULAR DYSTROPHY-DYSTROGLYCANOPATHY, LIMB-GIRDLE, POMT2-RELATED; Muscular dystrophy-dystroglycanopathy (limb-girdle), type C, 2. Identifiers: Orphanet 206559, MedGen C3150418, MONDO:0013162, OMIM 613158.
Muscular dystrophy-dystroglycanopathy (congenital with impaired intellectual development), type B, 2. Also called: MUSCULAR DYSTROPHY, CONGENITAL, POMT2-RELATED; Muscular dystrophy-dystroglycanopathy (congenital with intellectual disability), type B2. Identifiers: MedGen C3150416, MONDO:0013160, OMIM 613156.

Allele frequency attached by ClinVar (database versions not stated): gnomAD exomes below 0.00001; ExAC 0.00001.
gnomAD v4.1: 1 of 1,614,162 alleles (0.000062%); no homozygotes.

Submissions (3):

Fulgent Genetics
Classification: Likely pathogenic for Muscular dystrophy-dystroglycanopathy (congenital with brain and eye anomalies), type A2; Muscular dystrophy-dystroglycanopathy (congenital with impaired intellectual development), type B, 2; Autosomal recessive limb-girdle muscular dystrophy type 2N. Last evaluated: 2024-06-14. Review status: criteria provided, single submitter. Criteria: ACMG Guidelines, 2015. Collection method: clinical testing. Allele origin: germline.

Labcorp Genetics (formerly Invitae), Labcorp
Classification: Pathogenic for Muscular dystrophy-dystroglycanopathy (congenital with impaired intellectual development), type B, 2; Muscular dystrophy-dystroglycanopathy (congenital with brain and eye anomalies), type A2; Autosomal recessive limb-girdle muscular dystrophy type 2N. Last evaluated: 2023-11-21. Review status: criteria provided, single submitter. Criteria: Invitae Variant Classification Sherloc (09022015). Collection method: clinical testing. Allele origin: germline.
Comment: This sequence change creates a premature translational stop signal (p.Trp226*) in the POMT2 gene. It is expected to result in an absent or disrupted protein product. Loss-of-function variants in POMT2 are known to be pathogenic (PMID: 15894594). This variant is present in population databases (rs778947923, gnomAD 0.0009%). This variant has not been reported in the literature in individuals affected with POMT2-related conditions. ClinVar contains an entry for this variant (Variation ID: 1430797). For these reasons, this variant has been classified as Pathogenic.

New York Genome Center
Classification: Likely pathogenic for Autosomal recessive limb-girdle muscular dystrophy type 2N; Muscular dystrophy-dystroglycanopathy (congenital with brain and eye anomalies), type A2; Muscular dystrophy-dystroglycanopathy (congenital with impaired intellectual development), type B, 2. Last evaluated: 2022-12-13. Review status: criteria provided, single submitter. Criteria: NYGC Assertion Criteria 2020. Collection method: clinical testing. Allele origin: inherited. Affected: yes. Observed: 1 compound heterozygote. Study: PrenatalSEQ.
Comment: The inherited c.678G>A, p.(Trp226Ter) variant identified in the POMT2 gene is a nonsense variant that leads to the premature termination of the protein at amino acid 226/751 (exon 6/21) and is expected to undergo nonsense mediated decay. The c.678G>A variant is observed in 1 allele (~0.0003% minor allele frequency with 0 homozygotes) in population databases (gnomAD v2.1.1 and v3.1.2, TOPMed Freeze 8, All of Us), suggesting it is not a common benign variant in the populations represented in those databases. The c.678G>A, p.(Trp226Ter) variant is reported in ClinVar as Pathogenic (VarID:1430797, 1 star, 1 submission). While this variant has not been reported in affected individuals in the literature, other nonsense and frameshift variants downstream of the one identified here have been reported in individuals with POMT2-associated disorders [PMID:33200426, 15894594]. Given its deleterious nature and low frequency in population databases, the inherited c.678G>A, p.(Trp226Ter) variant identified in the POMT2 gene is reported here as Likely Pathogenic.

Literature cited by the submitters: PubMed 15894594 (cited by Labcorp Genetics (formerly Invitae), Labcorp).